The following is an entry in ClinVar:

ClinVar aggregate classification (germline): Uncertain significance. Review status: criteria provided, multiple submitters, no conflicts (2 of 4 stars). 2 submissions from 2 submitters: Uncertain significance (2). Last evaluated 2024-05-13.

Conditions:
Inborn genetic diseases. Identifiers: MedGen C0950123, MeSH D030342.
Dyskeratosis congenita, autosomal dominant 6 (DKCA6). Identifiers: Orphanet 3322, MedGen C4225284, MONDO:0014690, OMIM 616553.

Allele frequency attached by ClinVar (database versions not stated): 1000 Genomes Project 0.00020; 1000 Genomes Project 30x 0.00016.
gnomAD v4.1: 15 of 1,612,476 alleles (0.00093%); highest among the groups gnomAD compares: Admixed American, 0.01%; no homozygotes.

Submissions (2):

Labcorp Genetics (formerly Invitae), Labcorp
Classification: Uncertain significance for Dyskeratosis congenita, autosomal dominant 6. Last evaluated: 2024-05-13. Review status: criteria provided, single submitter. Criteria: Invitae Variant Classification Sherloc (09022015). Collection method: clinical testing. Allele origin: germline.
Comment: This sequence change replaces proline, which is neutral and non-polar, with glutamine, which is neutral and polar, at codon 77 of the ACD protein (p.Pro77Gln). This variant is present in population databases (rs534010648, gnomAD 0.01%). This variant has not been reported in the literature in individuals affected with ACD-related conditions. ClinVar contains an entry for this variant (Variation ID: 1789405). Algorithms developed to predict the effect of missense changes on protein structure and function output the following: SIFT: "Not Available"; PolyPhen-2: "Benign"; Align-GVGD: "Not Available". The glutamine amino acid residue is found in multiple mammalian species, which suggests that this missense change does not adversely affect protein function. In summary, the available evidence is currently insufficient to determine the role of this variant in disease. Therefore, it has been classified as a Variant of Uncertain Significance.

Ambry Genetics
Classification: Uncertain significance for Inborn genetic diseases. Last evaluated: 2023-11-02. Review status: criteria provided, single submitter. Criteria: Ambry Variant Classification Scheme 2023. Collection method: clinical testing. Allele origin: germline.
Comment: The p.P77Q variant (also known as c.230C>A), located in coding exon 1 of the ACD gene, results from a C to A substitution at nucleotide position 230. The proline at codon 77 is replaced by glutamine, an amino acid with similar properties. This amino acid position is conserved. In addition, this alteration is predicted to be tolerated by in silico analysis. Since supporting evidence is limited at this time, the clinical significance of this alteration remains unclear.

NM_001082486.2(ACD):c.-29C>A

Gene: ACD (ACD shelterin complex subunit and telomerase recruitment factor; minus strand). Cytogenetic location: 16q22.1.
Variant type: single nucleotide variant.
Coding change: c.-29C>A on transcript NM_001082486.2 (MANE Select); 29 bases upstream of the start codon, C replaced by A.
Molecular consequence: 5 prime UTR variant.
Genome position (GRCh38, 1-based): chr16:67,660,249, G>T on the plus strand (C>A on the coding strand, the complement: ACD is on the minus strand). VCF-style: chr16-67660249-G-T. GRCh37 (hg19) VCF-style: chr16-67694152-G-T.
Other names: c.-29C>A (NM_001410884.1, NM_022914.3).
Identifiers: ClinVar variation 1789405 (VCV001789405.7), dbSNP rs534010648, ClinGen allele CA8114861.
Genomic context (GRCh38, chr16:67,660,249, plus strand): 5'-GGCCGTAGGACCAGCCTCCCCGAACCTGCCATCCCCACGGCTACACCCAGCGGATGCAAC[G>T]GGCCCGGGTTTCCCGCGGGCGCCCAGGCCCCGCCTTTCCTCGGAAGAGGAAGCTCCTTCG-3'